The following is an entry in ClinVar:

NM_000368.5(TSC1):c.-8G>A

Gene: TSC1 (TSC complex subunit 1; minus strand). Cytogenetic location: 9q34.13.
Variant type: single nucleotide variant.
Coding change: c.-8G>A on transcript NM_000368.5 (MANE Select); 8 bases upstream of the start codon, G replaced by A.
Molecular consequence: 5 prime UTR variant. On other transcripts: non-coding transcript variant (5), intron variant (2).
Genome position (GRCh38, 1-based): chr9:132,928,880, C>T on the plus strand (G>A on the coding strand, the complement: TSC1 is on the minus strand). VCF-style: chr9-132928880-C-T. GRCh37 (hg19) VCF-style: chr9-135804267-C-T.
Other names: c.-8G>A (NM_001162426.2, NM_001162427.2, NM_001406592.1 and 21 more transcripts); c.-267G>A (NM_001362177.2, NM_001406617.1, NM_001406619.1 and 3 more transcripts); c.-359G>A (NM_001406614.1); c.-496G>A (NM_001406615.1, NM_001406623.1); c.-463G>A (NM_001406616.1, NM_001406624.1); c.-885G>A (NM_001406626.1, NM_001406627.1, NM_001406628.1); c.-1027G>A (NM_001406629.1); c.-1101G>A (NM_001406630.1); and 1 more.
Identifiers: ClinVar variation 3072755 (VCV003072755.2), dbSNP rs1847042861, ClinGen allele CA1882424955.

ClinVar aggregate classification (germline): Uncertain significance. Review status: criteria provided, single submitter (1 of 4 stars). 2 submissions from 2 submitters: Uncertain significance (1). 1 of the submissions does not count toward it. Last evaluated 2023-12-13.

Conditions:
TSC1-related disorder. Also called: TSC1-related condition.
Tuberous sclerosis syndrome (TSC). Also called: Tuberous Sclerosis Complex; Tuberous sclerosis. Identifiers: Orphanet 805, MedGen C0041341, MONDO:0001734.

Allele frequency attached by ClinVar (database versions not stated): gnomAD exomes below 0.00001; TOPMed 0.00001.
gnomAD v4.1: 2 of 1,614,028 alleles (0.00012%); highest among the groups gnomAD compares: Non-Finnish European, 0.00017%; no homozygotes.

Submissions (2):

All of Us Research Program, National Institutes of Health
Classification: Uncertain significance for Tuberous sclerosis syndrome. Last evaluated: 2023-12-13. Review status: criteria provided, single submitter. Criteria: ACMG Guidelines, 2015. Collection method: clinical testing. Allele origin: germline. Inheritance: Autosomal dominant inheritance. Observed: 2 variant alleles, 2 heterozygotes.
Comment: This variant is located at the -8 position in the 5'UTR of the TSC1 protein. To our knowledge, functional studies have not been reported for this variant. This variant has not been reported in individuals affected with TSC1-related disorders in the literature. This variant has not been identified in the general population by the Genome Aggregation Database (gnomAD). The available evidence is insufficient to determine the role of this variant in disease conclusively. Therefore, this variant is classified as a Variant of Uncertain Significance.

This study involves interpretation of variants in research participants for the purpose of population health screening. Participant phenotype was not available at the time of variant classification. Additional details can be found in publication PMID: 35346344, PMCID: PMC8962531

PreventionGenetics, part of Exact Sciences
Classification: Likely benign for TSC1-related condition. Last evaluated: 2024-09-23. Review status: no assertion criteria provided. Collection method: clinical testing. Allele origin: germline. Not counted in ClinVar's aggregate classification.
Comment: This variant is classified as likely benign based on ACMG/AMP sequence variant interpretation guidelines (Richards et al. 2015 PMID: 25741868, with internal and published modifications).